The following is an entry in ClinVar:

ClinVar aggregate classification (germline): Uncertain significance (1 of 4 stars; one submission).

Submission:

Labcorp Genetics (formerly Invitae), Labcorp
Classification: Uncertain significance. Last evaluated: 2025-08-25. Review status: criteria provided, single submitter. Criteria: Invitae Variant Classification Sherloc (09022015). Collection method: clinical testing. Allele origin: germline.
Comment: This sequence change replaces cysteine, which is neutral and slightly polar, with serine, which is neutral and polar, at codon 102 of the GSR protein (p.Cys102Ser). This variant is not present in population databases (gnomAD no frequency). This variant has not been reported in the literature in individuals affected with GSR-related conditions. An algorithm developed to predict the effect of missense changes on protein structure and function (PolyPhen-2) suggests that this variant is likely to be disruptive. In summary, the available evidence is currently insufficient to determine the role of this variant in disease. Therefore, it has been classified as a Variant of Uncertain Significance.

NM_000637.5(GSR):c.305G>C (p.Cys102Ser)

Genes: GSR (glutathione-disulfide reductase; minus strand), LOC130000170 (ATAC-STARR-seq lymphoblastoid silent region 19083; plus strand). Cytogenetic location: 8p12.
Variant type: single nucleotide variant.
Coding change: c.305G>C on transcript NM_000637.5 (MANE Select); coding-DNA position 305, G replaced by C.
Protein change: p.Cys102Ser; replaces cysteine 102 with serine.
Molecular consequence: missense variant.
Genome position (GRCh38, 1-based): chr8:30,727,531, C>G on the plus strand (G>C on the coding strand, the complement: GSR is on the minus strand). VCF-style: chr8-30727531-C-G. GRCh37 (hg19) VCF-style: chr8-30585048-C-G.
Other names: c.305G>C, p.Cys102Ser (NM_001195102.3, NM_001195103.3, NM_001195104.3); short protein forms C102S.
Identifiers: ClinVar variation 4726028 (VCV004726028.1).
Genomic context (GRCh38, chr8:30,727,531, plus strand): 5'-TCCCCCGAAAGACCGAGACAAAGAGGCGCCCCCCGCCCGAACAAACCGGCGGTACTCACG[C>G]AAGTGCCACCCAGCTTGTGGCTCTCCACCACGGCGGCCCTGGCACCCAGCTCGGCCGCCC-3'
Protein context (NP_000628.2, residues 92-112): VVESHKLGGT[Cys102Ser]VNVGCVPKKV